The following is an entry in ClinVar:

NM_004984.4(KIF5A):c.121G>A (p.Val41Ile)

Gene: KIF5A (kinesin family member 5A; plus strand). Cytogenetic location: 12q13.3.
Variant type: single nucleotide variant.
Coding change: c.121G>A on transcript NM_004984.4 (MANE Select); coding-DNA position 121, G replaced by A.
Protein change: p.Val41Ile; replaces valine 41 with isoleucine.
Molecular consequence: missense variant.
Genome position (GRCh38, 1-based): chr12:57,550,392, G>A. VCF-style: chr12-57550392-G-A. GRCh37 (hg19) VCF-style: chr12-57944175-G-A.
Other names: c.121G>A, p.Val41Ile (NM_001354705.2); short protein forms V41I.
Identifiers: ClinVar variation 835884 (VCV000835884.9), dbSNP rs1881531764, ClinGen allele CA385496403.

ClinVar aggregate classification (germline): Uncertain significance (1 of 4 stars; one submission).

Conditions:
Spastic paraplegia. Identifiers: MedGen C0037772, HP:0001258.

Allele frequency attached by ClinVar (database versions not stated): gnomAD exomes below 0.00001.

Submission:

Labcorp Genetics (formerly Invitae), Labcorp
Classification: Uncertain significance for Spastic paraplegia. Last evaluated: 2025-03-07. Review status: criteria provided, single submitter. Criteria: Invitae Variant Classification Sherloc (09022015). Collection method: clinical testing. Allele origin: germline.
Comment: This sequence change replaces valine, which is neutral and non-polar, with isoleucine, which is neutral and non-polar, at codon 41 of the KIF5A protein (p.Val41Ile). This variant is not present in population databases (gnomAD no frequency). This variant has not been reported in the literature in individuals affected with KIF5A-related conditions. ClinVar contains an entry for this variant (Variation ID: 835884). Invitae Evidence Modeling of protein sequence and biophysical properties (such as structural, functional, and spatial information, amino acid conservation, physicochemical variation, residue mobility, and thermodynamic stability) indicates that this missense variant is not expected to disrupt KIF5A protein function with a negative predictive value of 95%. In summary, the available evidence is currently insufficient to determine the role of this variant in disease. Therefore, it has been classified as a Variant of Uncertain Significance.